The following is an entry in ClinVar:

ClinVar aggregate classification (germline): Uncertain significance (1 of 4 stars; one submission).

Conditions:
Inborn genetic diseases. Identifiers: MedGen C0950123, MeSH D030342.

Allele frequency attached by ClinVar (database versions not stated): gnomAD exomes 0.00002.
gnomAD v4.1: 21 of 1,361,660 alleles (0.0015%); highest among the groups gnomAD compares: Non-Finnish European, 0.002%; no homozygotes.

Submission:

Ambry Genetics
Classification: Uncertain significance for Inborn genetic diseases. Last evaluated: 2020-10-30. Review status: criteria provided, single submitter. Criteria: Ambry Variant Classification Scheme 2023. Collection method: clinical testing. Allele origin: germline.
Comment: The c.3086C>G (p.P1029R) alteration is located in exon 10 (coding exon 10) of the CRB2 gene. This alteration results from a C to G substitution at nucleotide position 3086, causing the proline (P) at amino acid position 1029 to be replaced by an arginine (R). This amino acid position is well conserved in available vertebrate species. This missense alteration is located in a region that has a low rate of benign missense variation (Lek, 2016; Firth, 2009). The p.P1029R alteration is predicted to be tolerated by in silico analysis. Based on insufficient or conflicting evidence, the clinical significance of this alteration remains unclear.

Literature cited by the submitters: PubMed 19344873; PubMed 27535533.

NM_173689.7(CRB2):c.3086C>G (p.Pro1029Arg)

Gene: CRB2 (crumbs cell polarity complex component 2; plus strand). Cytogenetic location: 9q33.3.
Variant type: single nucleotide variant.
Coding change: c.3086C>G on transcript NM_173689.7 (MANE Select); coding-DNA position 3086, C replaced by G.
Protein change: p.Pro1029Arg; replaces proline 1029 with arginine.
Molecular consequence: missense variant. On other transcripts: non-coding transcript variant (1).
Genome position (GRCh38, 1-based): chr9:123,373,617, C>G. VCF-style: chr9-123373617-C-G. GRCh37 (hg19) VCF-style: chr9-126135896-C-G.
Other names: short protein forms P1029R.
Identifiers: ClinVar variation 2227719 (VCV002227719.2), dbSNP rs760034564, ClinGen allele CA5232353.